The following is an entry in ClinVar:

NM_001364905.1(LRBA):c.7490_7491del (p.Val2497fs)

Gene: LRBA (LPS responsive beige-like anchor protein; minus strand). Cytogenetic location: 4q31.3.
Variant type: Deletion.
Coding change: c.7490_7491del on transcript NM_001364905.1 (MANE Select); coding-DNA positions 7490 to 7491, 2 bases deleted (TT; older notation c.7490_7491delTT).
Protein change: p.Val2497fs; shifts the reading frame from valine 2497.
Molecular consequence: frameshift variant.
Genome position (GRCh38, 1-based): chr4:150,321,330-150,321,331, AA deleted on the plus strand (TT on the coding strand, the reverse complement: LRBA is on the minus strand). VCF-style (leftmost placement, unchanged base first): chr4-150321329-TAA-T. GRCh37 (hg19) VCF-style: chr4-151242481-TAA-T.
Other names: c.7490_7491delTT, p.Val2497Aspfs (NM_001199282.3); c.7505_7506del, p.Val2502fs (NM_001367550.1); c.7523_7524delTT, p.Val2508Aspfs (NM_006726.5); short protein forms V2497fs, V2502fs, V2508fs.
Identifiers: ClinVar variation 3600289 (VCV003600289.2).

ClinVar aggregate classification (germline): Likely pathogenic (0 of 4 stars; one submission).

Conditions:
Combined immunodeficiency due to LRBA deficiency. Also called: Common variable immunodeficiency 8, with autoimmunity. Identifiers: Orphanet 445018, MedGen C3553512, MONDO:0013863, OMIM 614700.

Submission:

National Institute of Immunohaematology, Indian Council of Medical Research
Classification: Likely pathogenic for Combined immunodeficiency due to LRBA deficiency. Review status: no assertion criteria provided. Collection method: research. Allele origin: germline. Inheritance: Autosomal recessive inheritance. Affected: yes. Observed: 1 homozygote.
Comment: The varaint P2508Rfs*23 has been previosly reported with LRBA gene. The varaint has not been reported in public databases like gnomAD . The varaint is frameshift varaint and hence predicted to be deleterious using in-silico tools like SIFT, polyphen2.

Literature cited by the submitters: DOI 10.22541/AU.167602149.93712918/V1.